The following is an entry in ClinVar:

ClinVar aggregate classification (germline): Uncertain significance (1 of 4 stars; one submission).

Conditions:
Osteopathia striata with cranial sclerosis (OSCS). Also called: HYPEROSTOSIS GENERALISATA WITH STRIATIONS. Identifiers: Orphanet 2780, MedGen C0432268, MONDO:0010310, OMIM 300373.

Submission:

Centre for Mendelian Genomics, University Medical Centre Ljubljana
Classification: Uncertain significance for Osteopathia striata with cranial sclerosis. Last evaluated: 2016-01-01. Review status: criteria provided, single submitter. Criteria: ACMG Guidelines, 2015. Collection method: clinical testing. Allele origin: unknown. Affected: yes.
Comment: This variant was classified as: Uncertain significance. The following ACMG criteria were applied in classifying this variant: PM2,PM4. This variant was detected in hemizygous state.

NM_152424.4(AMER1):c.2048C>G (p.Ser683Ter)

Gene: AMER1 (APC membrane recruitment protein 1; minus strand). Cytogenetic location: Xq11.2.
Variant type: single nucleotide variant.
Coding change: c.2048C>G on transcript NM_152424.4 (MANE Select); coding-DNA position 2048, C replaced by G.
Protein change: p.Ser683Ter; replaces serine 683 with a stop codon.
Molecular consequence: nonsense.
Genome position (GRCh38, 1-based): chrX:64,191,239, G>C on the plus strand (C>G on the coding strand, the complement: AMER1 is on the minus strand). VCF-style: chrX-64191239-G-C. GRCh37 (hg19) VCF-style: chrX-63411119-G-C.
Other names: short protein forms S683*.
Identifiers: ClinVar variation 931036 (VCV000931036.3), dbSNP rs1930237390, ClinGen allele CA413305606.